The following is an entry in ClinVar:

NM_006939.4(SOS2):c.3247C>T (p.Pro1083Ser)

Gene: SOS2 (SOS Ras/Rho guanine nucleotide exchange factor 2; minus strand). Cytogenetic location: 14q21.3.
Variant type: single nucleotide variant.
Coding change: c.3247C>T on transcript NM_006939.4 (MANE Select); coding-DNA position 3247, C replaced by T.
Protein change: p.Pro1083Ser; replaces proline 1083 with serine.
Molecular consequence: missense variant.
Genome position (GRCh38, 1-based): chr14:50,130,591, G>A on the plus strand (C>T on the coding strand, the complement: SOS2 is on the minus strand). VCF-style: chr14-50130591-G-A. GRCh37 (hg19) VCF-style: chr14-50597309-G-A.
Other names: c.3148C>T, p.Pro1050Ser (NM_001411020.1); short protein forms P1050S, P1083S.
Identifiers: ClinVar variation 2202335 (VCV002202335.4), dbSNP rs544075244, ClinGen allele CA389640556.

ClinVar aggregate classification (germline): Uncertain significance (1 of 4 stars; one submission).

Conditions:
Noonan syndrome 9 (NS9). Identifiers: Orphanet 648, MedGen C4225282, MONDO:0014691, OMIM 616559.

Allele frequency attached by ClinVar (database versions not stated): TOPMed below 0.00001; gnomAD exomes 0.00001.
gnomAD v4.1: 10 of 1,614,068 alleles (0.00062%); highest among the groups gnomAD compares: Non-Finnish European, 0.00085%; no homozygotes.

Submission:

Labcorp Genetics (formerly Invitae), Labcorp
Classification: Uncertain significance for Noonan syndrome 9. Last evaluated: 2024-12-02. Review status: criteria provided, single submitter. Criteria: Invitae Variant Classification Sherloc (09022015). Collection method: clinical testing. Allele origin: germline.
Comment: This sequence change replaces proline, which is neutral and non-polar, with serine, which is neutral and polar, at codon 1083 of the SOS2 protein (p.Pro1083Ser). This variant is not present in population databases (gnomAD no frequency). This variant has not been reported in the literature in individuals affected with SOS2-related conditions. ClinVar contains an entry for this variant (Variation ID: 2202335). Invitae Evidence Modeling of protein sequence and biophysical properties (such as structural, functional, and spatial information, amino acid conservation, physicochemical variation, residue mobility, and thermodynamic stability) indicates that this missense variant is not expected to disrupt SOS2 protein function with a negative predictive value of 95%. In summary, the available evidence is currently insufficient to determine the role of this variant in disease. Therefore, it has been classified as a Variant of Uncertain Significance.